The following is an entry in ClinVar:

ClinVar aggregate classification (germline): Uncertain significance (1 of 4 stars; one submission).

Conditions:
Neuroblastoma, susceptibility to, 3. Also called: ALK-Related Neuroblastic Tumor Susceptibility. Identifiers: Orphanet 635, MedGen C2751681, MONDO:0013083, OMIM 613014.

gnomAD v4.1: 1 of 1,613,986 alleles (0.000062%); highest among the groups gnomAD compares: Non-Finnish European, 0.000085%; no homozygotes.

Submission:

Labcorp Genetics (formerly Invitae), Labcorp
Classification: Uncertain significance for Neuroblastoma, susceptibility to, 3. Last evaluated: 2024-06-05. Review status: criteria provided, single submitter. Criteria: Invitae Variant Classification Sherloc (09022015). Collection method: clinical testing. Allele origin: germline.
Comment: This sequence change replaces alanine, which is neutral and non-polar, with threonine, which is neutral and polar, at codon 1222 of the ALK protein (p.Ala1222Thr). This variant is not present in population databases (gnomAD no frequency). This variant has not been reported in the literature in individuals affected with ALK-related conditions. An algorithm developed to predict the effect of missense changes on protein structure and function (PolyPhen-2) suggests that this variant is likely to be tolerated. In summary, the available evidence is currently insufficient to determine the role of this variant in disease. Therefore, it has been classified as a Variant of Uncertain Significance.

NM_004304.5(ALK):c.3664G>A (p.Ala1222Thr)

Gene: ALK (ALK receptor tyrosine kinase; minus strand). Cytogenetic location: 2p23.2.
Variant type: single nucleotide variant.
Coding change: c.3664G>A on transcript NM_004304.5 (MANE Select); coding-DNA position 3664, G replaced by A.
Protein change: p.Ala1222Thr; replaces alanine 1222 with threonine.
Molecular consequence: missense variant.
Genome position (GRCh38, 1-based): chr2:29,214,063, C>T on the plus strand (G>A on the coding strand, the complement: ALK is on the minus strand). VCF-style: chr2-29214063-C-T. GRCh37 (hg19) VCF-style: chr2-29436929-C-T.
Other names: c.460G>A, p.Ala154Thr (NM_001353765.2); short protein forms A1222T, A154T.
Identifiers: ClinVar variation 3680433 (VCV003680433.2).